The following is an entry in ClinVar:

NM_178012.5(TUBB2B):c.491T>C (p.Met164Thr)

Gene: TUBB2B (tubulin beta 2B class IIb; minus strand). Cytogenetic location: 6p25.2.
Variant type: single nucleotide variant.
Coding change: c.491T>C on transcript NM_178012.5 (MANE Select); coding-DNA position 491, T replaced by C.
Protein change: p.Met164Thr; replaces methionine 164 with threonine.
Molecular consequence: missense variant.
Genome position (GRCh38, 1-based): chr6:3,225,598, A>G on the plus strand (T>C on the coding strand, the complement: TUBB2B is on the minus strand). VCF-style: chr6-3225598-A-G. GRCh37 (hg19) VCF-style: chr6-3225832-A-G.
Other names: short protein forms M164T.
Identifiers: ClinVar variation 560248 (VCV000560248.3), dbSNP rs1561826815, ClinGen allele CA362588383.

ClinVar aggregate classification (germline): Uncertain significance (1 of 4 stars; one submission).

Conditions:
Complex cortical dysplasia with other brain malformations 7. Identifiers: Orphanet 300573, MedGen C3552236, MONDO:0012399, OMIM 610031.

Submission:

Geisinger Autism and Developmental Medicine Institute, Geisinger Health System
Classification: Uncertain significance for Complex cortical dysplasia with other brain malformations 7. Last evaluated: 2018-02-26. Review status: criteria provided, single submitter. Criteria: ACMG Guidelines, 2015. Collection method: provider interpretation, clinical testing. Allele origin: maternal. Observed: 1 variant allele.
Comment: Brain MRI revealed pachygyria. Ophthalmology and endocrinology evaluations were normal. This variant is absent from the gnomAD database. Computational models predict it to be deleterious. It has not been previously reported in the literature, to our knowledge.